The following is an entry in ClinVar:

NM_006440.5(TXNRD2):c.68C>G (p.Ala23Gly)

Genes: TXNRD2 (thioredoxin reductase 2; minus strand), LOC130066960 (ATAC-STARR-seq lymphoblastoid silent region 13467; plus strand). Cytogenetic location: 22q11.21.
Variant type: single nucleotide variant.
Coding change: c.68C>G on transcript NM_006440.5 (MANE Select); coding-DNA position 68, C replaced by G.
Protein change: p.Ala23Gly; replaces alanine 23 with glycine.
Molecular consequence: missense variant. On other transcripts: non-coding transcript variant (1).
Genome position (GRCh38, 1-based): chr22:19,941,736, G>C on the plus strand (C>G on the coding strand, the complement: TXNRD2 is on the minus strand). VCF-style: chr22-19941736-G-C. GRCh37 (hg19) VCF-style: chr22-19929259-G-C.
Other names: c.68C>G, p.Ala23Gly (NM_001282512.3, NM_001352300.2); short protein forms A23G.
Identifiers: ClinVar variation 4826344 (VCV004826344.1).

ClinVar aggregate classification (germline): Uncertain significance (1 of 4 stars; one submission).

Conditions:
Cardiovascular phenotype. Identifiers: MedGen CN230736.

Submission:

Ambry Genetics
Classification: Uncertain significance for Cardiovascular phenotype. Last evaluated: 2026-03-11. Review status: criteria provided, single submitter. Criteria: Ambry Variant Classification Scheme 2023. Collection method: clinical testing. Allele origin: germline.
Comment: The p.A23G variant (also known as c.68C>G), located in coding exon 1 of the TXNRD2 gene, results from a C to G substitution at nucleotide position 68. The alanine at codon 23 is replaced by glycine, an amino acid with similar properties. This amino acid position is conserved. In addition, this alteration is predicted to be tolerated by in silico analysis. Based on the available evidence, the clinical significance of this variant remains unclear.